The following is an entry in ClinVar:

NM_001211.6(BUB1B):c.3100G>A (p.Ala1034Thr)

Genes: BUB1B (BUB1 mitotic checkpoint serine/threonine kinase B; plus strand), BUB1B-PAK6 (BUB1B-PAK6 readthrough; plus strand). Cytogenetic location: 15q15.1.
Variant type: single nucleotide variant.
Coding change: c.3100G>A on transcript NM_001211.6 (MANE Select); coding-DNA position 3100, G replaced by A.
Protein change: p.Ala1034Thr; replaces alanine 1034 with threonine.
Molecular consequence: missense variant. On other transcripts: intron variant (2).
Genome position (GRCh38, 1-based): chr15:40,220,706, G>A. VCF-style: chr15-40220706-G-A. GRCh37 (hg19) VCF-style: chr15-40512907-G-A.
Other names: c.-201+3039G>A (NM_001128628.3); c.-118+3039G>A (NM_001128629.3); short protein forms A1034T.
Identifiers: ClinVar variation 3826115 (VCV003826115.1).

ClinVar aggregate classification (germline): Uncertain significance (1 of 4 stars; one submission).

Conditions:
Inborn genetic diseases. Identifiers: MedGen C0950123, MeSH D030342.

gnomAD v4.1: 1 of 1,614,178 alleles (0.000062%); highest among the groups gnomAD compares: South Asian, 0.0011%; no homozygotes.

Submission:

Ambry Genetics
Classification: Uncertain significance for Inborn genetic diseases. Last evaluated: 2025-02-05. Review status: criteria provided, single submitter. Criteria: Ambry Variant Classification Scheme 2023. Collection method: clinical testing. Allele origin: germline.
Comment: The p.A1034T variant (also known as c.3100G>A), located in coding exon 23 of the BUB1B gene, results from a G to A substitution at nucleotide position 3100. The alanine at codon 1034 is replaced by threonine, an amino acid with similar properties. This amino acid position is conserved. In addition, this alteration is predicted to be tolerated by in silico analysis. Based on the available evidence, the clinical significance of this variant remains unclear.